The following is an entry in ClinVar:

NM_014832.5(TBC1D4):c.1856C>T (p.Pro619Leu)

Genes: TBC1D4 (TBC1 domain family member 4; minus strand), LOC126861801 (BRD4-independent group 4 enhancer GRCh37_chr13:75899800-75900999; plus strand). Cytogenetic location: 13q22.2.
Variant type: single nucleotide variant.
Coding change: c.1856C>T on transcript NM_014832.5 (MANE Select); coding-DNA position 1856, C replaced by T.
Protein change: p.Pro619Leu; replaces proline 619 with leucine.
Molecular consequence: missense variant.
Genome position (GRCh38, 1-based): chr13:75,326,374, G>A on the plus strand (C>T on the coding strand, the complement: TBC1D4 is on the minus strand). VCF-style: chr13-75326374-G-A. GRCh37 (hg19) VCF-style: chr13-75900510-G-A.
Other names: c.1856C>T, p.Pro619Leu (NM_001286658.2, NM_001286659.2); c.1856C>T (NM_014832.4); short protein forms P619L.
Identifiers: ClinVar variation 436950 (VCV000436950.9), dbSNP rs56223054, ClinGen allele CA7003868.

ClinVar aggregate classification (germline): Likely benign. Review status: criteria provided, multiple submitters, no conflicts (2 of 4 stars). 3 submissions from 3 submitters: Likely benign (2). 1 of the submissions does not count toward it. Last evaluated 2017-02-14.

Conditions:
TBC1D4-related disorder. Also called: TBC1D4-related condition.

Allele frequency attached by ClinVar (database versions not stated): 1000 Genomes Project 0.00280; 1000 Genomes Project 30x 0.00297; gnomAD exomes 0.00325 and 0.00470; TOPMed 0.00327; gnomAD 0.00330 and 0.00336; ExAC 0.00333; ESP Exome Variant Server 0.00460.
gnomAD v4.1: 7,315 of 1,614,104 alleles (0.45%); highest among the groups gnomAD compares: Non-Finnish European, 0.55%; 16 homozygotes.

Submissions (3):

Genetic Services Laboratory, University of Chicago
Classification: Likely benign. Last evaluated: 2017-02-14. Review status: criteria provided, single submitter. Criteria: ACMG Guidelines, 2015. Collection method: clinical testing. Allele origin: germline. Affected: no.

Breakthrough Genomics
Classification: Likely benign. Review status: criteria provided, single submitter. Criteria: ACMG Guidelines, 2015. Collection method: not provided. Allele origin: germline. Inheritance: Unknown mechanism. Affected: yes.

PreventionGenetics, part of Exact Sciences
Classification: Likely benign for TBC1D4-related condition. Last evaluated: 2021-07-02. Review status: no assertion criteria provided. Collection method: clinical testing. Allele origin: germline. Not counted in ClinVar's aggregate classification.
Comment: This variant is classified as likely benign based on ACMG/AMP sequence variant interpretation guidelines (Richards et al. 2015 PMID: 25741868, with internal and published modifications).